The following is an entry in ClinVar:

NM_024577.4(SH3TC2):c.2578C>G (p.Leu860Val)

Gene: SH3TC2 (SH3 domain and tetratricopeptide repeats 2; minus strand). Cytogenetic location: 5q32.
Variant type: single nucleotide variant.
Coding change: c.2578C>G on transcript NM_024577.4 (MANE Select); coding-DNA position 2578, C replaced by G.
Protein change: p.Leu860Val; replaces leucine 860 with valine.
Molecular consequence: missense variant.
Genome position (GRCh38, 1-based): chr5:149,027,154, G>C on the plus strand (C>G on the coding strand, the complement: SH3TC2 is on the minus strand). VCF-style: chr5-149027154-G-C. GRCh37 (hg19) VCF-style: chr5-148406717-G-C.
Other names: short protein forms L860V.
Identifiers: ClinVar variation 1059406 (VCV001059406.7), dbSNP rs139958177, ClinGen allele CA361666077.

ClinVar aggregate classification (germline): Uncertain significance (1 of 4 stars; one submission).

Conditions:
Charcot-Marie-Tooth disease type 4. Also called: Charcot-Marie-Tooth, Type 4; Charcot-Marie-Tooth disease, type IV. Identifiers: Orphanet 64749, MedGen C4082197, MONDO:0018995.

gnomAD v4.1: 5 of 1,614,108 alleles (0.00031%); highest among the groups gnomAD compares: Admixed American, 0.0017%; no homozygotes.

Submission:

Labcorp Genetics (formerly Invitae), Labcorp
Classification: Uncertain significance for Charcot-Marie-Tooth disease type 4. Last evaluated: 2022-07-19. Review status: criteria provided, single submitter. Criteria: Invitae Variant Classification Sherloc (09022015). Collection method: clinical testing. Allele origin: germline.
Comment: This sequence change replaces leucine, which is neutral and non-polar, with valine, which is neutral and non-polar, at codon 860 of the SH3TC2 protein (p.Leu860Val). This variant is not present in population databases (gnomAD no frequency). This variant has not been reported in the literature in individuals affected with SH3TC2-related conditions. ClinVar contains an entry for this variant (Variation ID: 1059406). Advanced modeling of protein sequence and biophysical properties (such as structural, functional, and spatial information, amino acid conservation, physicochemical variation, residue mobility, and thermodynamic stability) performed at Invitae indicates that this missense variant is not expected to disrupt SH3TC2 protein function. In summary, the available evidence is currently insufficient to determine the role of this variant in disease. Therefore, it has been classified as a Variant of Uncertain Significance.